The following is an entry in ClinVar:

ClinVar aggregate classification (germline): Uncertain significance (1 of 4 stars; one submission).

Conditions:
Dilated cardiomyopathy 1J (CMD1J). Also called: CARDIOMYOPATHY, DILATED, WITH SENSORINEURAL HEARING LOSS, AUTOSOMAL DOMINANT. Identifiers: Orphanet 217622, MedGen C1854368, MONDO:0011541, OMIM 605362.

Submission:

Labcorp Genetics (formerly Invitae), Labcorp
Classification: Uncertain significance for Dilated cardiomyopathy 1J. Last evaluated: 2022-06-10. Review status: criteria provided, single submitter. Criteria: Invitae Variant Classification Sherloc (09022015). Collection method: clinical testing. Allele origin: germline.
Comment: This variant has not been reported in the literature in individuals affected with EYA4-related conditions. This sequence change falls in intron 18 of the EYA4 gene. It does not directly change the encoded amino acid sequence of the EYA4 protein. This variant is not present in population databases (gnomAD no frequency). Algorithms developed to predict the effect of sequence changes on RNA splicing suggest that this variant may disrupt the consensus splice site. In summary, the available evidence is currently insufficient to determine the role of this variant in disease. Therefore, it has been classified as a Variant of Uncertain Significance.

NM_004100.5(EYA4):c.1739-14_1739-6del

Genes: EYA4 (EYA transcriptional coactivator and phosphatase 4; plus strand), TARID (TCF21 antisense RNA inducing promoter demethylation; minus strand). Cytogenetic location: 6q23.2.
Variant type: Deletion.
Coding change: c.1739-14_1739-6del on transcript NM_004100.5 (MANE Select); 14 bases into the intron before coding-DNA position 1739 through 6 bases into the intron before coding-DNA position 1739, 9 bases deleted (CATTTATCT; older notation c.1739-14_1739-6delCATTTATCT).
Molecular consequence: intron variant.
Genome position (GRCh38, 1-based): chr6:133,525,140-133,525,148, CATTTATCT deleted; deleting any 9 consecutive bases within chr6:133,525,133-133,525,148 gives the same sequence; the c. name uses the placement nearest the transcript's 3' end. VCF-style (leftmost placement, unchanged base first): chr6-133525132-CTTTATCTCA-C. GRCh37 (hg19) VCF-style: chr6-133846270-CTTTATCTCA-C.
Other names: c.1757-14_1757-6del (NM_001301013.2); c.1839+25_1839+33del (NM_172105.4); c.1770+25_1770+33del (NM_001370458.1); c.1670-14_1670-6del (NM_172103.4); c.1595-14_1595-6del (NM_001370459.1); c.1677+25_1677+33del (NM_001301012.2).
Identifiers: ClinVar variation 2004325 (VCV002004325.4), dbSNP rs2535523908, ClinGen allele CA2580075032.